The following is an entry in ClinVar:

ClinVar aggregate classification (germline): Conflicting classifications of pathogenicity. Review status: criteria provided, conflicting classifications (1 of 4 stars). 2 submissions from 2 submitters: Likely pathogenic (1); Uncertain significance (1). Last evaluated 2026-04-28.

Conditions:
Familial thoracic aortic aneurysm and aortic dissection (TAAD). Also called: Thoracic aortic aneurysms and dissections. Identifiers: Orphanet 91387, MedGen C4707243, MONDO:0019625.
Loeys-Dietz syndrome 1 (LDS1). Also called: FURLONG SYNDROME; TGFBR1-Related Loeys-Dietz Syndrome; AORTIC ANEURYSM, FAMILIAL THORACIC 5. Identifiers: Orphanet 60030, MedGen C4551955, MONDO:0012212, OMIM 609192.

Submissions (2):

Wales Gene Park, Division Of Cancer and Genetics, Cardiff University
Classification: Likely pathogenic for Loeys-Dietz syndrome 1. Last evaluated: 2026-04-28. Review status: criteria provided, single submitter. Criteria: ACGS Best Practice Guidelines for Variant Classification in Rare Disease 2024. Collection method: research. Allele origin: de novo. Inheritance: Autosomal dominant inheritance. Affected: yes. Study: 100,000 Genomes Project (Wales).
Comment: De novo TGFBR1 missense variant detected by trio genome sequencing. Not in gnomAD (v4.1.1). REVEL score 0.954. Phenotype consistent with gene but not highly specific. Constrained gene (gnomAD missense Z score 3.99). Another missense change at same residue reported in ClinVar as pathogenic (p.Gly353Val, Accession: VCV000492846.1). Evidence codes: PM2, PM5, PP3, PP2, PS2_moderate.

Labcorp Genetics (formerly Invitae), Labcorp
Classification: Uncertain significance for Familial thoracic aortic aneurysm and aortic dissection. Last evaluated: 2024-06-14. Review status: criteria provided, single submitter. Criteria: Invitae Variant Classification Sherloc (09022015). Collection method: clinical testing. Allele origin: germline.
Comment: This sequence change replaces glycine, which is neutral and non-polar, with arginine, which is basic and polar, at codon 353 of the TGFBR1 protein (p.Gly353Arg). This variant is not present in population databases (gnomAD no frequency). This missense change has been observed in individual(s) with clinical features of Loeys-Dietz syndrome (PMID: 31569402, 33057194, 37010288). Advanced modeling of protein sequence and biophysical properties (such as structural, functional, and spatial information, amino acid conservation, physicochemical variation, residue mobility, and thermodynamic stability) performed at Invitae indicates that this missense variant is expected to disrupt TGFBR1 protein function with a positive predictive value of 80%. This variant disrupts the p.Gly353 amino acid residue in TGFBR1. Other variant(s) that disrupt this residue have been observed in individuals with TGFBR1-related conditions (PMID: 27508510), which suggests that this may be a clinically significant amino acid residue. In summary, the available evidence is currently insufficient to determine the role of this variant in disease. Therefore, it has been classified as a Variant of Uncertain Significance.

Literature cited by the submitters: PubMed 31569402 (cited by Labcorp Genetics (formerly Invitae), Labcorp); PubMed 33057194 (cited by Labcorp Genetics (formerly Invitae), Labcorp); PubMed 37010288 (cited by Labcorp Genetics (formerly Invitae), Labcorp); PubMed 27508510 (cited by Labcorp Genetics (formerly Invitae), Labcorp).

NM_004612.4(TGFBR1):c.1057G>C (p.Gly353Arg)

Gene: TGFBR1 (transforming growth factor beta receptor 1; plus strand). Cytogenetic location: 9q22.33.
Variant type: single nucleotide variant.
Coding change: c.1057G>C on transcript NM_004612.4 (MANE Select); coding-DNA position 1057, G replaced by C.
Protein change: p.Gly353Arg; replaces glycine 353 with arginine.
Molecular consequence: missense variant. On other transcripts: non-coding transcript variant (4).
Genome position (GRCh38, 1-based): chr9:99,144,815, G>C. VCF-style: chr9-99144815-G-C. GRCh37 (hg19) VCF-style: chr9-101907097-G-C.
Other names: c.826G>C, p.Gly276Arg (NM_001130916.3, NM_001407435.1); c.1069G>C, p.Gly357Arg (NM_001306210.2); c.901G>C, p.Gly301Arg (NM_001407416.1); c.889G>C, p.Gly297Arg (NM_001407417.1); c.862G>C, p.Gly288Arg (NM_001407418.1, NM_001407419.1, NM_001407420.1 and 1 more transcripts); c.850G>C, p.Gly284Arg (NM_001407423.1, NM_001407424.1, NM_001407425.1 and 8 more transcripts); c.811G>C, p.Gly271Arg (NM_001407436.1); c.349G>C, p.Gly117Arg (NM_001407437.1); and 1 more; short protein forms G117R, G194R, G271R, G276R, G284R, G288R, G297R, G301R.
Identifiers: ClinVar variation 3609663 (VCV003609663.3).